The following is an entry in ClinVar:

ClinVar aggregate classification (germline): Uncertain significance (1 of 4 stars; one submission).

Conditions:
Hereditary spastic paraplegia 49 (HSAN9). Also called: TECPR2-Related Hereditary Sensory and Autonomic Neuropathy with Intellectual Disability; Spastic paraplegia 49, autosomal recessive; NEUROPATHY, HEREDITARY SENSORY AND AUTONOMIC, TYPE IX, WITH DEVELOPMENTAL DELAY. Identifiers: Orphanet 320385, MedGen C5190860, MONDO:0014016, OMIM 615031.

Submission:

Labcorp Genetics (formerly Invitae), Labcorp
Classification: Uncertain significance for Hereditary spastic paraplegia 49. Last evaluated: 2021-08-31. Review status: criteria provided, single submitter. Criteria: Invitae Variant Classification Sherloc (09022015). Collection method: clinical testing. Allele origin: germline.
Comment: This sequence change falls in intron 9 of the TECPR2 gene. It does not directly change the encoded amino acid sequence of the TECPR2 protein. It affects a nucleotide within the consensus splice site of the intron. This variant is not present in population databases (ExAC no frequency). This variant has not been reported in the literature in individuals affected with TECPR2-related conditions. Variants that disrupt the consensus splice site are a relatively common cause of aberrant splicing (PMID: 17576681, 9536098). Algorithms developed to predict the effect of sequence changes on RNA splicing suggest that this variant is not likely to affect RNA splicing. In summary, the available evidence is currently insufficient to determine the role of this variant in disease. Therefore, it has been classified as a Variant of Uncertain Significance.

Literature cited by the submitters: PubMed 17576681; PubMed 9536098.

NM_014844.5(TECPR2):c.2394+4T>C

Gene: TECPR2 (tectonin beta-propeller repeat containing 2; plus strand). Cytogenetic location: 14q32.31.
Variant type: single nucleotide variant.
Coding change: c.2394+4T>C on transcript NM_014844.5 (MANE Select); 4 bases into the intron after coding-DNA position 2394, T replaced by C.
Molecular consequence: intron variant.
Genome position (GRCh38, 1-based): chr14:102,435,215, T>C. VCF-style: chr14-102435215-T-C. GRCh37 (hg19) VCF-style: chr14-102901552-T-C.
Other names: c.2394+4T>C (NM_001172631.3).
Identifiers: ClinVar variation 569174 (VCV000569174.6), dbSNP rs1567340516, ClinGen allele CA891843724.